The following is an entry in ClinVar:

NM_152564.5(VPS13B):c.1427A>G (p.Glu476Gly)

Gene: VPS13B (vacuolar protein sorting 13 homolog B; plus strand). Cytogenetic location: 8q22.2.
Variant type: single nucleotide variant.
Coding change: c.1427A>G on transcript NM_152564.5 (MANE Select); coding-DNA position 1427, A replaced by G.
Protein change: p.Glu476Gly; replaces glutamic acid 476 with glycine.
Molecular consequence: missense variant.
Genome position (GRCh38, 1-based): chr8:99,135,597, A>G. VCF-style: chr8-99135597-A-G. GRCh37 (hg19) VCF-style: chr8-100147825-A-G.
Other names: c.1427A>G, p.Glu476Gly (NM_015243.3, NM_017890.5); short protein forms E476G.
Identifiers: ClinVar variation 5000615 (VCV005000615.1).

ClinVar aggregate classification (germline): Uncertain significance (1 of 4 stars; one submission).

Conditions:
VPS13B-related disorder. Also called: VPS13B-related condition.

Submission:

PreventionGenetics, part of Exact Sciences
Classification: Uncertain significance for VPS13B-related condition. Last evaluated: 2025-04-03. Review status: criteria provided, single submitter. Criteria: ACMG Guidelines, 2015. Collection method: clinical testing. Allele origin: germline.
Comment: The VPS13B c.1427A>G variant is predicted to result in the amino acid substitution p.Glu476Gly. To our knowledge, this variant has not been reported in the literature or in a large population database (gnomAD), indicating this variant is rare. At this time, the clinical significance of this variant is uncertain due to the absence of conclusive functional and genetic evidence.